The following is an entry in ClinVar:

ClinVar aggregate classification (germline): Uncertain significance (1 of 4 stars; one submission).

Conditions:
Inborn genetic diseases. Identifiers: MedGen C0950123, MeSH D030342.

Submission:

Ambry Genetics
Classification: Uncertain significance for Inborn genetic diseases. Last evaluated: 2025-10-12. Review status: criteria provided, single submitter. Criteria: Ambry Variant Classification Scheme 2023. Collection method: clinical testing. Allele origin: germline.
Comment: The p.I261V variant (also known as c.781A>G), located in coding exon 1 of the SAMD9L gene, results from an A to G substitution at nucleotide position 781. The isoleucine at codon 261 is replaced by valine, an amino acid with highly similar properties. This amino acid position is conserved. In addition, this alteration is predicted to be tolerated by in silico analysis. Based on the available evidence, the clinical significance of this variant remains unclear.

NM_152703.5(SAMD9L):c.781A>G (p.Ile261Val)

Gene: SAMD9L (sterile alpha motif domain containing 9 like; minus strand). Cytogenetic location: 7q21.2.
Variant type: single nucleotide variant.
Coding change: c.781A>G on transcript NM_152703.5 (MANE Select); coding-DNA position 781, A replaced by G.
Protein change: p.Ile261Val; replaces isoleucine 261 with valine.
Molecular consequence: missense variant.
Genome position (GRCh38, 1-based): chr7:93,135,191, T>C on the plus strand (A>G on the coding strand, the complement: SAMD9L is on the minus strand). VCF-style: chr7-93135191-T-C. GRCh37 (hg19) VCF-style: chr7-92764504-T-C.
Other names: c.781A>G, p.Ile261Val (NM_001303496.3, NM_001303497.3, NM_001303498.3 and 5 more transcripts); short protein forms I261V.
Identifiers: ClinVar variation 4630049 (VCV004630049.1).